The following is an entry in ClinVar:

NM_020318.3(PAPPA2):c.2406G>A (p.Pro802=)

Gene: PAPPA2 (pappalysin 2; plus strand). Cytogenetic location: 1q25.2.
Variant type: single nucleotide variant.
Coding change: c.2406G>A on transcript NM_020318.3 (MANE Select); coding-DNA position 2406, G replaced by A.
Protein change: p.Pro802=; no amino-acid change (proline 802 retained).
Molecular consequence: synonymous variant.
Genome position (GRCh38, 1-based): chr1:176,690,405, G>A. VCF-style: chr1-176690405-G-A. GRCh37 (hg19) VCF-style: chr1-176659541-G-A.
Other names: c.2406G>A, p.Pro802= (NM_021936.3).
Identifiers: ClinVar variation 2639581 (VCV002639581.24), dbSNP rs182831354, ClinGen allele CA1257503.
Genomic context (GRCh38, chr1:176,690,405, plus strand): 5'-GTGCCGGGAACCAGAGCCCACTAGTGACACCTGTGGCTTCACTCGCTTCCCAGGGGCTCC[G>A]TTCACCAACTACATGAGCTACACGGGTATCACCACTGTCTTGTTTTGTTTTCTGTTAAGA-3'
Protein context (NP_064714.2, residues 792-812): TCGFTRFPGA[Pro802=]FTNYMSYTDD

ClinVar aggregate classification (germline): Likely benign (1 of 4 stars; one submission).

Allele frequency attached by ClinVar (database versions not stated): 1000 Genomes Project 0.00180; gnomAD 0.00186; TOPMed 0.00191; 1000 Genomes Project 30x 0.00203; ExAC 0.00222; gnomAD exomes 0.00242; ESP Exome Variant Server 0.00248.
gnomAD v4.1: 3,807 of 1,614,068 alleles (0.24%); highest among the groups gnomAD compares: Middle Eastern, 0.56%; 21 homozygotes.

Submission:

CeGaT Center for Human Genetics Tuebingen
Classification: Likely benign. Last evaluated: 2022-09-01. Review status: criteria provided, single submitter. Criteria: CeGaT Center For Human Genetics Tuebingen Variant Classification Criteria Version 2. Collection method: clinical testing. Allele origin: germline. Affected: yes. Observed: 1 variant allele.
Comment: PAPPA2: BP4, BP7